The following is an entry in ClinVar:

NM_002332.3(LRP1):c.11896G>A (p.Asp3966Asn)

Gene: LRP1 (LDL receptor related protein 1; plus strand). Cytogenetic location: 12q13.3.
Variant type: single nucleotide variant.
Coding change: c.11896G>A on transcript NM_002332.3 (MANE Select); coding-DNA position 11896, G replaced by A.
Protein change: p.Asp3966Asn; replaces aspartic acid 3966 with asparagine.
Molecular consequence: missense variant.
Genome position (GRCh38, 1-based): chr12:57,208,074, G>A. VCF-style: chr12-57208074-G-A. GRCh37 (hg19) VCF-style: chr12-57601857-G-A.
Other names: short protein forms D3966N.
Identifiers: ClinVar variation 4976656 (VCV004976656.1).

ClinVar aggregate classification (germline): Uncertain significance (1 of 4 stars; one submission).

Submission:

GeneDx
Classification: Uncertain significance. Last evaluated: 2024-03-19. Review status: criteria provided, single submitter. Criteria: GeneDx Variant Classification Process June 2021. Collection method: clinical testing. Allele origin: germline.
Comment: Not observed at significant frequency in large population cohorts (gnomAD); In silico analysis supports that this missense variant has a deleterious effect on protein structure/function; Has not been previously published as pathogenic or benign to our knowledge; Variants in candidate genes are classified as variants of uncertain significance in accordance with ACMG guidelines (PMID: 25741868)